The following is an entry in ClinVar:

NM_006846.4(SPINK5):c.1772del (p.Leu591fs)

Gene: SPINK5 (serine peptidase inhibitor Kazal type 5; plus strand). Cytogenetic location: 5q32.
Variant type: Deletion.
Coding change: c.1772del on transcript NM_006846.4 (MANE Select); coding-DNA position 1772, one base deleted (T; older notation c.1772delT).
Protein change: p.Leu591fs; shifts the reading frame from leucine 591.
Molecular consequence: frameshift variant.
Genome position (GRCh38, 1-based): chr5:148,111,847, T deleted. VCF-style (leftmost placement, unchanged base first): chr5-148111846-CT-C. GRCh37 (hg19) VCF-style: chr5-147491409-CT-C.
Other names: c.1772del, p.Leu591fs (NM_001127698.2, NM_001127699.2); short protein forms L591fs.
Identifiers: ClinVar variation 4747472 (VCV004747472.2).

ClinVar aggregate classification (germline): Pathogenic. Review status: criteria provided, multiple submitters, no conflicts (2 of 4 stars). 2 submissions from 2 submitters: Pathogenic (2). Last evaluated 2025-08-20.

Conditions:
Ichthyosis linearis circumflexa. Identifiers: MedGen C0265962, MONDO:0043106, HP:0025810.
SPINK5-related disorder. Also called: SPINK5-related condition.

Submissions (2):

Labcorp Genetics (formerly Invitae), Labcorp
Classification: Pathogenic for Ichthyosis linearis circumflexa. Last evaluated: 2025-08-20. Review status: criteria provided, single submitter. Criteria: Invitae Variant Classification Sherloc (09022015). Collection method: clinical testing. Allele origin: germline.
Comment: This sequence change creates a premature translational stop signal (p.Leu591Glnfs*124) in the SPINK5 gene. It is expected to result in an absent or disrupted protein product. Loss-of-function variants in SPINK5 are known to be pathogenic (PMID: 11511292, 11841556). This variant is present in population databases (rs759289667, gnomAD 0.006%). This premature translational stop signal has been observed in individual(s) with Netherton syndrome (PMID: 26865388). For these reasons, this variant has been classified as Pathogenic.

Blueprint Genetics
Classification: Pathogenic for SPINK5-related disorders. Last evaluated: 2018-08-17. Review status: criteria provided, single submitter. Criteria: ACMG Guidelines, 2015. Collection method: clinical testing. Allele origin: germline. Affected: yes. Observed: 1 variant allele.

Literature cited by the submitters: PubMed 11511292 (cited by Labcorp Genetics (formerly Invitae), Labcorp); PubMed 11841556 (cited by Labcorp Genetics (formerly Invitae), Labcorp); PubMed 26865388 (cited by Labcorp Genetics (formerly Invitae), Labcorp).